The following is an entry in ClinVar:

NM_005869.4(CWC27):c.449A>T (p.Asp150Val)

Gene: CWC27 (CWC27 spliceosome associated cyclophilin; plus strand). Cytogenetic location: 5q12.3.
Variant type: single nucleotide variant.
Coding change: c.449A>T on transcript NM_005869.4 (MANE Select); coding-DNA position 449, A replaced by T.
Protein change: p.Asp150Val; replaces aspartic acid 150 with valine.
Molecular consequence: missense variant.
Genome position (GRCh38, 1-based): chr5:64,785,533, A>T. VCF-style: chr5-64785533-A-T. GRCh37 (hg19) VCF-style: chr5-64081360-A-T.
Other names: c.449A>T, p.Asp150Val (NM_001297644.1, NM_001297645.2, NM_001318000.2 and 1 more transcripts); short protein forms D150V.
Identifiers: ClinVar variation 2001186 (VCV002001186.4), dbSNP rs764172645, ClinGen allele CA359845371.

ClinVar aggregate classification (germline): Uncertain significance (1 of 4 stars; one submission).

gnomAD v4.1: 20 of 1,580,058 alleles (0.0013%); highest among the groups gnomAD compares: Non-Finnish European, 0.0016%; no homozygotes.

Submission:

Labcorp Genetics (formerly Invitae), Labcorp
Classification: Uncertain significance. Last evaluated: 2022-06-08. Review status: criteria provided, single submitter. Criteria: Invitae Variant Classification Sherloc (09022015). Collection method: clinical testing. Allele origin: germline.
Comment: In summary, the available evidence is currently insufficient to determine the role of this variant in disease. Therefore, it has been classified as a Variant of Uncertain Significance. Algorithms developed to predict the effect of missense changes on protein structure and function are either unavailable or do not agree on the potential impact of this missense change (SIFT: "Deleterious"; PolyPhen-2: "Benign"; Align-GVGD: "Class C0"). This variant has not been reported in the literature in individuals affected with CWC27-related conditions. This variant is not present in population databases (gnomAD no frequency). This sequence change replaces aspartic acid, which is acidic and polar, with valine, which is neutral and non-polar, at codon 150 of the CWC27 protein (p.Asp150Val).